The following is an entry in ClinVar:

ClinVar aggregate classification (germline): Uncertain significance. Review status: criteria provided, multiple submitters, no conflicts (2 of 4 stars). 5 submissions from 5 submitters: Uncertain significance (5). Last evaluated 2026-08-27.

Conditions:
RAF1-related disorder. Also called: RAF1-related condition; RAF1-related disorders.
Cardiovascular phenotype. Identifiers: MedGen CN230736.
RASopathy. Also called: Noonan spectrum disorder; rasopathies. Identifiers: Orphanet 536391, MedGen C5555857, MONDO:0021060.

Allele frequency attached by ClinVar (database versions not stated): ExAC 0.00001; gnomAD 0.00001; gnomAD exomes 0.00001; 1000 Genomes Project 0.00020; 1000 Genomes Project 30x 0.00031.
gnomAD v4.1: 6 of 1,611,140 alleles (0.00037%); highest among the groups gnomAD compares: East Asian, 0.0022%; no homozygotes.

Submissions (5):

PreventionGenetics, part of Exact Sciences
Classification: Uncertain significance for RAF1-related condition. Last evaluated: 2026-08-27. Review status: criteria provided, single submitter. Criteria: ACMG Guidelines, 2015. Collection method: clinical testing. Allele origin: germline.
Comment: The RAF1 c.589C>G variant is predicted to result in the amino acid substitution p.Pro197Ala. This variant has been reported in an individual with an atrial septal defect (Table S4, Sierant M. et al. 2025. PubMed ID: 40127276). This variant is reported in 0.0054% of alleles in individuals of East Asian descent in gnomAD, and is interpreted as uncertain in the ClinVar database (Variation ID: 647117). At this time, the clinical significance of this variant is uncertain due to the absence of conclusive functional and genetic evidence.

Labcorp Genetics (formerly Invitae), Labcorp
Classification: Uncertain significance for RASopathy. Last evaluated: 2025-06-24. Review status: criteria provided, single submitter. Criteria: Invitae Variant Classification Sherloc (09022015). Collection method: clinical testing. Allele origin: germline.
Comment: This sequence change replaces proline, which is neutral and non-polar, with alanine, which is neutral and non-polar, at codon 197 of the RAF1 protein (p.Pro197Ala). This variant is present in population databases (rs563575013, gnomAD 0.006%). This variant has not been reported in the literature in individuals affected with RAF1-related conditions. ClinVar contains an entry for this variant (Variation ID: 647117). Invitae Evidence Modeling of protein sequence and biophysical properties (such as structural, functional, and spatial information, amino acid conservation, physicochemical variation, residue mobility, and thermodynamic stability) indicates that this missense variant is not expected to disrupt RAF1 protein function with a negative predictive value of 95%. In summary, the available evidence is currently insufficient to determine the role of this variant in disease. Therefore, it has been classified as a Variant of Uncertain Significance.

Revvity Omics, Revvity
Classification: Uncertain significance. Last evaluated: 2025-03-23. Review status: criteria provided, single submitter. Criteria: ACMG Guidelines, 2015. Collection method: clinical testing. Allele origin: germline.

Ambry Genetics
Classification: Uncertain significance for Cardiovascular phenotype. Last evaluated: 2024-06-05. Review status: criteria provided, single submitter. Criteria: Ambry Variant Classification Scheme 2023. Collection method: clinical testing. Allele origin: germline.

Blueprint Genetics
Classification: Uncertain significance. Last evaluated: 2023-10-23. Review status: criteria provided, single submitter. Criteria: ACMG Guidelines, 2015. Collection method: clinical testing. Allele origin: germline.

NM_002880.4(RAF1):c.589C>G (p.Pro197Ala)

Gene: RAF1 (Raf-1 proto-oncogene, serine/threonine kinase; minus strand). Cytogenetic location: 3p25.2.
Variant type: single nucleotide variant.
Coding change: c.589C>G on transcript NM_002880.4 (MANE Select); coding-DNA position 589, C replaced by G.
Protein change: p.Pro197Ala; replaces proline 197 with alanine.
Molecular consequence: missense variant. On other transcripts: non-coding transcript variant (3), intron variant (2).
Genome position (GRCh38, 1-based): chr3:12,606,292, G>C on the plus strand (C>G on the coding strand, the complement: RAF1 is on the minus strand). VCF-style: chr3-12606292-G-C. GRCh37 (hg19) VCF-style: chr3-12647791-G-C.
Other names: c.589C>G, p.Pro197Ala (NM_001354689.3, NM_001354690.3); c.346C>G, p.Pro116Ala (NM_001354691.3, NM_001354692.3, NM_001354694.3); c.339-2003C>G (NM_001354695.3); c.582-2003C>G (NM_001354693.3); short protein forms P197A, P116A.
Identifiers: ClinVar variation 647117 (VCV000647117.15), dbSNP rs563575013, ClinGen allele CA2259729.